The following is an entry in ClinVar:

ClinVar aggregate classification (germline): Uncertain significance (1 of 4 stars; one submission).

Conditions:
Neuronal ceroid lipofuscinosis 7 (CLN7). Also called: MFSD8-Related Neuronal Ceroid-Lipofuscinosis. Identifiers: Orphanet 168491, Orphanet 228366, MedGen C1838571, MONDO:0012588, OMIM 610951.

gnomAD v4.1: 1 of 1,613,380 alleles (0.000062%); highest among the groups gnomAD compares: Non-Finnish European, 0.000085%; no homozygotes.

Submission:

Labcorp Genetics (formerly Invitae), Labcorp
Classification: Uncertain significance for Neuronal ceroid lipofuscinosis 7. Last evaluated: 2022-08-02. Review status: criteria provided, single submitter. Criteria: Invitae Variant Classification Sherloc (09022015). Collection method: clinical testing. Allele origin: germline.
Comment: In summary, the available evidence is currently insufficient to determine the role of this variant in disease. Therefore, it has been classified as a Variant of Uncertain Significance. Algorithms developed to predict the effect of missense changes on protein structure and function are either unavailable or do not agree on the potential impact of this missense change (SIFT: "Tolerated"; PolyPhen-2: "Probably Damaging"; Align-GVGD: "Class C0"). This variant has not been reported in the literature in individuals affected with MFSD8-related conditions. This variant is present in population databases (no rsID available, gnomAD 0.0009%). This sequence change replaces asparagine, which is neutral and polar, with histidine, which is basic and polar, at codon 224 of the MFSD8 protein (p.Asn224His).

NM_001371596.2(MFSD8):c.670A>C (p.Asn224His)

Gene: MFSD8 (major facilitator superfamily domain containing 8; minus strand). Cytogenetic location: 4q28.2.
Variant type: single nucleotide variant.
Coding change: c.670A>C on transcript NM_001371596.2 (MANE Select); coding-DNA position 670, A replaced by C.
Protein change: p.Asn224His; replaces asparagine 224 with histidine.
Molecular consequence: missense variant. On other transcripts: intron variant (5).
Genome position (GRCh38, 1-based): chr4:127,939,881, T>G on the plus strand (A>C on the coding strand, the complement: MFSD8 is on the minus strand). VCF-style: chr4-127939881-T-G. GRCh37 (hg19) VCF-style: chr4-128861036-T-G.
Other names: c.535A>C, p.Asn179His (NM_001371590.2); c.670A>C, p.Asn224His (NM_001371591.2, NM_152778.4); c.676A>C, p.Asn226His (NM_001371592.2); c.556A>C, p.Asn186His (NM_001371593.2, NM_001410766.1); c.419-1045A>C (NM_001371595.1); c.304+3871A>C (NM_001410765.1); c.439+3871A>C (NM_001363521.3); c.553+2164A>C (NM_001363520.3); and 1 more; short protein forms N179H, N186H, N224H, N226H.
Identifiers: ClinVar variation 1714797 (VCV001714797.6), dbSNP rs1156864297, ClinGen allele CA358175357.